The following is an entry in ClinVar:

NM_001354604.2(MITF):c.1102C>G (p.Gln368Glu)

Gene: MITF (melanocyte inducing transcription factor; plus strand). Cytogenetic location: 3p13.
Variant type: single nucleotide variant.
Coding change: c.1102C>G on transcript NM_001354604.2 (MANE Select); coding-DNA position 1102, C replaced by G.
Protein change: p.Gln368Glu; replaces glutamine 368 with glutamic acid.
Molecular consequence: missense variant.
Genome position (GRCh38, 1-based): chr3:69,959,343, C>G. VCF-style: chr3-69959343-C-G. GRCh37 (hg19) VCF-style: chr3-70008494-C-G.
Other names: c.781C>G, p.Gln261Glu (NM_000248.4); c.928C>G, p.Gln310Glu (NM_001184967.2, NM_001354608.2); c.1099C>G, p.Gln367Glu (NM_001354605.2); c.1081C>G, p.Gln361Glu (NM_001354606.2, NM_006722.3); c.1033C>G, p.Gln345Glu (NM_001354607.2); c.763C>G, p.Gln255Glu (NM_198158.3); c.1084C>G, p.Gln362Glu (NM_198159.3); c.1036C>G, p.Gln346Glu (NM_198177.3); and 1 more; short protein forms Q368E, Q199E, Q310E, Q345E, Q362E, Q255E, Q261E, Q346E.
Identifiers: ClinVar variation 4055174 (VCV004055174.1).
Genomic context (GRCh38, chr3:69,959,343, plus strand): 5'-TGGAACAAGGGAACCATCTTAAAAGCATCCGTGGACTATATCCGAAAGTTGCAACGAGAA[C>G]AGCAACGCGCAAAAGAACTTGAAAACCGACAGAAGAAACTGGAGCACGCCAACCGGCATT-3'
Protein context (NP_001341533.1, residues 358-378): VDYIRKLQRE[Gln368Glu]QRAKELENRQ

ClinVar aggregate classification (germline): Uncertain significance (1 of 4 stars; one submission).

Conditions:
Hereditary cancer-predisposing syndrome. Also called: Neoplastic Syndromes, Hereditary; Tumor predisposition; Hereditary neoplastic syndrome; Hereditary Cancer Syndrome. Identifiers: Orphanet 140162, MedGen C0027672, MeSH D009386, MONDO:0015356.

Submission:

Ambry Genetics
Classification: Uncertain significance for Hereditary cancer-predisposing syndrome. Last evaluated: 2025-03-28. Review status: criteria provided, single submitter. Criteria: Ambry Variant Classification Scheme 2023. Collection method: clinical testing. Allele origin: germline.
Comment: The p.Q261E variant (also known as c.781C>G), located in coding exon 8 of the MITF gene, results from a C to G substitution at nucleotide position 781. The glutamine at codon 261 is replaced by glutamic acid, an amino acid with highly similar properties. This amino acid position is conserved. In addition, this alteration is predicted to be deleterious by in silico analysis. Based on the available evidence, the clinical significance of this variant remains unclear.